The following is an entry in ClinVar:

NM_004281.4(BAG3):c.582C>G (p.Ser194Arg)

Gene: BAG3 (BAG cochaperone 3; plus strand). Cytogenetic location: 10q26.11.
Variant type: single nucleotide variant.
Coding change: c.582C>G on transcript NM_004281.4 (MANE Select); coding-DNA position 582, C replaced by G.
Protein change: p.Ser194Arg; replaces serine 194 with arginine.
Molecular consequence: missense variant.
Genome position (GRCh38, 1-based): chr10:119,672,329, C>G. VCF-style: chr10-119672329-C-G. GRCh37 (hg19) VCF-style: chr10-121431841-C-G.
Other names: short protein forms S194R.
Identifiers: ClinVar variation 1062540 (VCV001062540.9), dbSNP rs927441881, ClinGen allele CA214221693.

ClinVar aggregate classification (germline): Uncertain significance (1 of 4 stars; one submission).

Conditions:
Myofibrillar myopathy 6. Identifiers: Orphanet 199340, MedGen C2751831, MONDO:0013061, OMIM 612954.
Dilated cardiomyopathy 1HH (CMD1HH). Identifiers: Orphanet 154, MedGen C3151293, MONDO:0013479, OMIM 613881.

Submission:

Labcorp Genetics (formerly Invitae), Labcorp
Classification: Uncertain significance for Dilated cardiomyopathy 1HH; Myofibrillar myopathy 6. Last evaluated: 2020-06-10. Review status: criteria provided, single submitter. Criteria: Invitae Variant Classification Sherloc (09022015). Collection method: clinical testing. Allele origin: germline.
Comment: In summary, the available evidence is currently insufficient to determine the role of this variant in disease. Therefore, it has been classified as a Variant of Uncertain Significance. Algorithms developed to predict the effect of missense changes on protein structure and function (SIFT, PolyPhen-2, Align-GVGD) all suggest that this variant is likely to be tolerated, but these predictions have not been confirmed by published functional studies and their clinical significance is uncertain. This variant has not been reported in the literature in individuals with BAG3-related conditions. This variant is not present in population databases (ExAC no frequency). This sequence change replaces serine with arginine at codon 194 of the BAG3 protein (p.Ser194Arg). The serine residue is moderately conserved and there is a moderate physicochemical difference between serine and arginine.